The following is an entry in ClinVar:

ClinVar aggregate classification (germline): Uncertain significance. Review status: criteria provided, multiple submitters, no conflicts (2 of 4 stars). 2 submissions from 2 submitters: Uncertain significance (2). Last evaluated 2022-08-22.

Conditions:
Nemaline myopathy 2 (NEM2). Also called: Nemaline myopathy 2, autosomal recessive. Identifiers: MedGen C1850569, MONDO:0009725, OMIM 256030.

Submissions (2):

Labcorp Genetics (formerly Invitae), Labcorp
Classification: Uncertain significance for Nemaline myopathy 2. Last evaluated: 2022-08-22. Review status: criteria provided, single submitter. Criteria: Invitae Variant Classification Sherloc (09022015). Collection method: clinical testing. Allele origin: germline.
Comment: This sequence change replaces aspartic acid, which is acidic and polar, with valine, which is neutral and non-polar, at codon 6922 of the NEB protein (p.Asp6922Val). This variant is not present in population databases (gnomAD no frequency). This variant has not been reported in the literature in individuals affected with NEB-related conditions. ClinVar contains an entry for this variant (Variation ID: 862684). Algorithms developed to predict the effect of missense changes on protein structure and function are either unavailable or do not agree on the potential impact of this missense change (SIFT: "Deleterious"; PolyPhen-2: "Not Available"; Align-GVGD: "Class C0"). In summary, the available evidence is currently insufficient to determine the role of this variant in disease. Therefore, it has been classified as a Variant of Uncertain Significance.

GeneDx
Classification: Uncertain significance. Last evaluated: 2019-07-22. Review status: criteria provided, single submitter. Criteria: GeneDx Variant Classification Process June 2021. Collection method: clinical testing. Allele origin: germline. Affected: yes.
Comment: Not observed in large population cohorts (Lek et al., 2016); In silico analysis, which includes protein predictors and evolutionary conservation, supports a deleterious effect; Has not been previously published as pathogenic or benign to our knowledge

NM_001164508.2(NEB):c.20765A>T (p.Asp6922Val)

Gene: NEB (nebulin; minus strand). Cytogenetic location: 2q23.3.
Variant type: single nucleotide variant.
Coding change: c.20765A>T on transcript NM_001164508.2 (MANE Select); coding-DNA position 20765, A replaced by T.
Protein change: p.Asp6922Val; replaces aspartic acid 6922 with valine.
Molecular consequence: missense variant.
Genome position (GRCh38, 1-based): chr2:151,540,719, T>A on the plus strand (A>T on the coding strand, the complement: NEB is on the minus strand). VCF-style: chr2-151540719-T-A. GRCh37 (hg19) VCF-style: chr2-152397233-T-A.
Other names: c.20765A>T, p.Asp6922Val (NM_001164507.2, NM_001271208.2); c.15662A>T, p.Asp5221Val (NM_004543.5); short protein forms D5221V, D6922V.
Identifiers: ClinVar variation 862684 (VCV000862684.8), dbSNP rs2093930817, ClinGen allele CA348777510.